The following is an entry in ClinVar:

NM_016341.4(PLCE1):c.6061G>A (p.Val2021Ile)

Gene: PLCE1 (phospholipase C epsilon 1; plus strand). Cytogenetic location: 10q23.33.
Variant type: single nucleotide variant.
Coding change: c.6061G>A on transcript NM_016341.4 (MANE Select); coding-DNA position 6061, G replaced by A.
Protein change: p.Val2021Ile; replaces valine 2021 with isoleucine.
Molecular consequence: missense variant.
Genome position (GRCh38, 1-based): chr10:94,313,311, G>A. VCF-style: chr10-94313311-G-A. GRCh37 (hg19) VCF-style: chr10-96073068-G-A.
Other names: c.5137G>A, p.Val1713Ile (NM_001165979.2); c.6013G>A, p.Val2005Ile (NM_001288989.2); c.6061G>A (NM_016341.3); short protein forms V1713I, V2005I, V2021I.
Identifiers: ClinVar variation 2141901 (VCV002141901.6), dbSNP rs552752024, ClinGen allele CA5613482.

ClinVar aggregate classification (germline): Uncertain significance. Review status: criteria provided, multiple submitters, no conflicts (2 of 4 stars). 4 submissions from 4 submitters: Uncertain significance (4). Last evaluated 2026-01-19.

Conditions:
Inborn genetic diseases. Identifiers: MedGen C0950123, MeSH D030342.
Nephrotic syndrome, type 3 (NPHS3). Also called: NEPHROTIC SYNDROME, EARLY-ONSET, TYPE 3. Identifiers: Orphanet 656, MedGen C1853124, MONDO:0012546, OMIM 610725.
PLCE1-related disorder. Also called: PLCE1-related condition.

Allele frequency attached by ClinVar (database versions not stated): ExAC 0.00002; gnomAD exomes 0.00003; gnomAD 0.00011; 1000 Genomes Project 30x 0.00031; TOPMed 0.00032; 1000 Genomes Project 0.00040.
gnomAD v4.1: 66 of 1,614,154 alleles (0.0041%); highest among the groups gnomAD compares: Admixed American, 0.042%; no homozygotes.

Submissions (4):

Labcorp Genetics (formerly Invitae), Labcorp
Classification: Uncertain significance. Last evaluated: 2026-01-19. Review status: criteria provided, single submitter. Criteria: Invitae Variant Classification Sherloc (09022015). Collection method: clinical testing. Allele origin: germline.
Comment: This sequence change replaces valine, which is neutral and non-polar, with isoleucine, which is neutral and non-polar, at codon 2021 of the PLCE1 protein (p.Val2021Ile). This variant is present in population databases (rs552752024, gnomAD 0.02%). This variant has not been reported in the literature in individuals affected with PLCE1-related conditions. ClinVar contains an entry for this variant (Variation ID: 2141901). Invitae Evidence Modeling of protein sequence and biophysical properties (such as structural, functional, and spatial information, amino acid conservation, physicochemical variation, residue mobility, and thermodynamic stability) indicates that this missense variant is not expected to disrupt PLCE1 protein function with a negative predictive value of 80%. In summary, the available evidence is currently insufficient to determine the role of this variant in disease. Therefore, it has been classified as a Variant of Uncertain Significance.

PreventionGenetics, part of Exact Sciences
Classification: Uncertain significance for PLCE1-related condition. Last evaluated: 2025-11-18. Review status: criteria provided, single submitter. Criteria: ACMG Guidelines, 2015. Collection method: clinical testing. Allele origin: germline.
Comment: The PLCE1 c.6061G>A variant is predicted to result in the amino acid substitution p.Val2021Ile. To our knowledge, this variant has not been reported in the literature. This variant is reported in 0.014% of alleles in individuals of Latino descent in gnomAD. At this time, the clinical significance of this variant is uncertain due to the absence of conclusive functional and genetic evidence.

Ambry Genetics
Classification: Uncertain significance for Inborn genetic diseases. Last evaluated: 2025-01-18. Review status: criteria provided, single submitter. Criteria: Ambry Variant Classification Scheme 2023. Collection method: clinical testing. Allele origin: germline.

Fulgent Genetics
Classification: Uncertain significance for Nephrotic syndrome, type 3. Last evaluated: 2024-01-05. Review status: criteria provided, single submitter. Criteria: ACMG Guidelines, 2015. Collection method: clinical testing. Allele origin: germline.